The following is an entry in ClinVar:

ClinVar aggregate classification (germline): Uncertain significance (1 of 4 stars; one submission).

Allele frequency attached by ClinVar (database versions not stated): gnomAD exomes below 0.00001.
gnomAD v4.1: 1 of 1,614,114 alleles (0.000062%); highest among the groups gnomAD compares: Non-Finnish European, 0.000085%; no homozygotes.

Submission:

Labcorp Genetics (formerly Invitae), Labcorp
Classification: Uncertain significance. Last evaluated: 2023-11-20. Review status: criteria provided, single submitter. Criteria: Invitae Variant Classification Sherloc (09022015). Collection method: clinical testing. Allele origin: germline.
Comment: This sequence change replaces cysteine, which is neutral and slightly polar, with phenylalanine, which is neutral and non-polar, at codon 1321 of the GPR179 protein (p.Cys1321Phe). This variant is present in population databases (no rsID available, gnomAD 0.0009%). This variant has not been reported in the literature in individuals affected with GPR179-related conditions. An algorithm developed to predict the effect of missense changes on protein structure and function (PolyPhen-2) suggests that this variant is likely to be disruptive. In summary, the available evidence is currently insufficient to determine the role of this variant in disease. Therefore, it has been classified as a Variant of Uncertain Significance.

NM_001004334.4(GPR179):c.3962G>T (p.Cys1321Phe)

Gene: GPR179 (G protein-coupled receptor 179; minus strand). Cytogenetic location: 17q12.
Variant type: single nucleotide variant.
Coding change: c.3962G>T on transcript NM_001004334.4 (MANE Select); coding-DNA position 3962, G replaced by T.
Protein change: p.Cys1321Phe; replaces cysteine 1321 with phenylalanine.
Molecular consequence: missense variant.
Genome position (GRCh38, 1-based): chr17:38,329,607, C>A on the plus strand (G>T on the coding strand, the complement: GPR179 is on the minus strand). VCF-style: chr17-38329607-C-A. GRCh37 (hg19) VCF-style: chr17-36485490-C-A.
Other names: short protein forms C1321F.
Identifiers: ClinVar variation 2843896 (VCV002843896.3), dbSNP rs1316479141, ClinGen allele CA398878006.
Genomic context (GRCh38, chr17:38,329,607, plus strand): 5'-CCAGGGTCCTGAGGAGCTGACCCAGGGGACAGACCTCCTCGATCGGCACTCTCCCAGGGA[C>A]ACACTGCTTCCTGCTCCCTCACCAGCCTCTCTGGCTTTTTCCGCATCATGGGAACCACAT-3'
Protein context (NP_001004334.3, residues 1311-1331): ERLVREQEAV[Cys1321Phe]PWESADRGGL